The following is an entry in ClinVar:

ClinVar aggregate classification (germline): Pathogenic (1 of 4 stars; one submission).

Conditions:
Joubert syndrome. Also called: JOUBERT-BOLTSHAUSER SYNDROME; Familial aplasia of the vermis. Identifiers: Orphanet 475, MedGen C5979921, MONDO:0018772.
Meckel-Gruber syndrome. Also called: DYSENCEPHALIA SPLANCHNOCYSTICA; GRUBER SYNDROME; Dysencephalia splachnocystica. Identifiers: Orphanet 564, MedGen C0265215, MONDO:0018921.

Submission:

Labcorp Genetics (formerly Invitae), Labcorp
Classification: Pathogenic for Joubert syndrome; Meckel-Gruber syndrome. Last evaluated: 2023-12-02. Review status: criteria provided, single submitter. Criteria: Invitae Variant Classification Sherloc (09022015). Collection method: clinical testing. Allele origin: germline.
Comment: This sequence change creates a premature translational stop signal (p.Glu1245Glyfs*11) in the CC2D2A gene. It is expected to result in an absent or disrupted protein product. Loss-of-function variants in CC2D2A are known to be pathogenic (PMID: 19777577). This variant is not present in population databases (gnomAD no frequency). This variant has not been reported in the literature in individuals affected with CC2D2A-related conditions. For these reasons, this variant has been classified as Pathogenic.

Literature cited by the submitters: PubMed 19777577.

NM_001378615.1(CC2D2A):c.3734_3744del (p.Glu1245fs)

Genes: CC2D2A (coiled-coil and C2 domain containing 2A; plus strand), FBXL5 (F-box and leucine rich repeat protein 5; minus strand). Cytogenetic location: 4p15.32.
Variant type: Deletion.
Coding change: c.3734_3744del on transcript NM_001378615.1 (MANE Select); coding-DNA positions 3734 to 3744, 11 bases deleted (AGCCCCAGCTG).
Protein change: p.Glu1245fs; shifts the reading frame from glutamic acid 1245.
Molecular consequence: frameshift variant.
Genome position (GRCh38, 1-based): chr4:15,574,289-15,574,299, AGCCCCAGCTG deleted; deleting any 11 consecutive bases within chr4:15,574,287-15,574,299 gives the same sequence; the c. name uses the placement nearest the transcript's 3' end. VCF-style (leftmost placement, unchanged base first): chr4-15574286-TTGAGCCCCAGC-T. GRCh37 (hg19) VCF-style: chr4-15575909-TTGAGCCCCAGC-T.
Other names: c.3734_3744del, p.Glu1245fs (NM_001080522.2); c.3587_3597del, p.Glu1196fs (NM_001378617.1); short protein forms E1245fs, E1196fs.
Identifiers: ClinVar variation 2954369 (VCV002954369.3), dbSNP rs2475093346, ClinGen allele CA2740091248.